The following is an entry in ClinVar:

NM_001009944.3(PKD1):c.2157C>T (p.His719=)

Gene: PKD1 (polycystin 1, transient receptor potential channel interacting; minus strand). Cytogenetic location: 16p13.3.
Variant type: single nucleotide variant.
Coding change: c.2157C>T on transcript NM_001009944.3 (MANE Select); coding-DNA position 2157, C replaced by T.
Protein change: p.His719=; no amino-acid change (histidine 719 retained).
Molecular consequence: synonymous variant.
Genome position (GRCh38, 1-based): chr16:2,114,866, G>A on the plus strand (C>T on the coding strand, the complement: PKD1 is on the minus strand). VCF-style: chr16-2114866-G-A. GRCh37 (hg19) VCF-style: chr16-2164867-G-A.
Other names: c.2157C>T, p.His719= (NM_000296.4).
Identifiers: ClinVar variation 3031927 (VCV003031927.2), dbSNP rs545699501, ClinGen allele CA7833272.

ClinVar aggregate classification (germline): Likely benign (0 of 4 stars; one submission).

Conditions:
PKD1-related disorder. Also called: PKD1-related condition.

Allele frequency attached by ClinVar (database versions not stated): gnomAD exomes 0.00003; TOPMed 0.00006; gnomAD 0.00007; 1000 Genomes Project 30x 0.00016; 1000 Genomes Project 0.00020; ExAC 0.00021.
gnomAD v4.1: 59 of 1,512,420 alleles (0.0039%); highest among the groups gnomAD compares: East Asian, 0.078%; no homozygotes.

Submission:

PreventionGenetics, part of Exact Sciences
Classification: Likely benign for PKD1-related condition. Last evaluated: 2020-08-10. Review status: no assertion criteria provided. Collection method: clinical testing. Allele origin: germline.
Comment: This variant is classified as likely benign based on ACMG/AMP sequence variant interpretation guidelines (Richards et al. 2015 PMID: 25741868, with internal and published modifications).